The following is an entry in ClinVar:

NM_206933.4(USH2A):c.9958+2T>C

Gene: USH2A (usherin; minus strand). Cytogenetic location: 1q41.
Variant type: single nucleotide variant.
Coding change: c.9958+2T>C on transcript NM_206933.4 (MANE Select); the canonical splice donor site of the intron after coding-DNA position 9958, T replaced by C.
Molecular consequence: splice donor variant.
Genome position (GRCh38, 1-based): chr1:215,798,905, A>G on the plus strand (T>C on the coding strand, the complement: USH2A is on the minus strand). VCF-style: chr1-215798905-A-G. GRCh37 (hg19) VCF-style: chr1-215972247-A-G.
Identifiers: ClinVar variation 1066077 (VCV001066077.7), dbSNP rs2102778466, ClinGen allele CA344848127.

ClinVar aggregate classification (germline): Likely pathogenic (1 of 4 stars; one submission).

Submission:

Labcorp Genetics (formerly Invitae), Labcorp
Classification: Likely pathogenic. Last evaluated: 2020-03-08. Review status: criteria provided, single submitter. Criteria: Invitae Variant Classification Sherloc (09022015). Collection method: clinical testing. Allele origin: germline.
Comment: In summary, the currently available evidence indicates that the variant is pathogenic, but additional data are needed to prove that conclusively. Therefore, this variant has been classified as Likely Pathogenic. Donor and acceptor splice site variants typically lead to a loss of protein function (PMID: 16199547), and loss-of-function variants in USH2A are known to be pathogenic (PMID: 10729113, 10909849, 20507924, 25649381). Algorithms developed to predict the effect of sequence changes on RNA splicing suggest that this variant may disrupt the consensus splice site, but this prediction has not been confirmed by published transcriptional studies. This variant has not been reported in the literature in individuals with USH2A-related conditions. This variant is not present in population databases (ExAC no frequency). This sequence change affects a donor splice site in intron 50 of the USH2A gene. It is expected to disrupt RNA splicing and likely results in an absent or disrupted protein product.

Literature cited by the submitters: PubMed 16199547; PubMed 10729113; PubMed 10909849; PubMed 20507924; PubMed 25649381.